The following is an entry in ClinVar:

ClinVar aggregate classification (germline): Uncertain significance (1 of 4 stars; one submission).

Conditions:
Cardiomyopathy (CMYO). Also called: Cardiomyopathies. Identifiers: Orphanet 167848, MedGen C0878544, MONDO:0004994, HP:0001638. Inheritance: Various modes of inheritance.

Submission:

Color Diagnostics, LLC DBA Color Health
Classification: Uncertain significance for Cardiomyopathy. Last evaluated: 2025-06-23. Review status: criteria provided, single submitter. Criteria: ACMG Guidelines, 2015. Collection method: clinical testing. Allele origin: germline.
Comment: This missense variant replaces threonine with serine at codon 589 of the DSG2 protein. Computational prediction suggests that this variant may not impact protein structure and function. To our knowledge, functional studies have not been reported for this variant. This variant has not been reported in individuals affected with DSG2-related disorders in the literature. This variant has not been identified in the general population by the Genome Aggregation Database (gnomAD). The available evidence is insufficient to determine the role of this variant in disease conclusively. Therefore, this variant is classified as a Variant of Uncertain Significance.

NM_001943.5(DSG2):c.1765A>T (p.Thr589Ser)

Gene: DSG2 (desmoglein 2; plus strand). Cytogenetic location: 18q12.1.
Variant type: single nucleotide variant.
Coding change: c.1765A>T on transcript NM_001943.5 (MANE Select); coding-DNA position 1765, A replaced by T.
Protein change: p.Thr589Ser; replaces threonine 589 with serine.
Molecular consequence: missense variant.
Genome position (GRCh38, 1-based): chr18:31,538,864, A>T. VCF-style: chr18-31538864-A-T. GRCh37 (hg19) VCF-style: chr18-29118827-A-T.
Other names: short protein forms T589S.
Identifiers: ClinVar variation 4757007 (VCV004757007.1).